The following is an entry in ClinVar:

NM_000492.4(CFTR):c.29G>C (p.Ser10Thr)

Gene: CFTR (CF transmembrane conductance regulator; plus strand). Cytogenetic location: 7q31.2.
Variant type: single nucleotide variant.
Coding change: c.29G>C on transcript NM_000492.4 (MANE Select); coding-DNA position 29, G replaced by C.
Protein change: p.Ser10Thr; replaces serine 10 with threonine.
Molecular consequence: missense variant.
Genome position (GRCh38, 1-based): chr7:117,480,123, G>C. VCF-style: chr7-117480123-G-C. GRCh37 (hg19) VCF-style: chr7-117120177-G-C.
Other names: short protein forms S10T.
Identifiers: ClinVar variation 1429044 (VCV001429044.9), dbSNP rs762241850, ClinGen allele CA368981240.

ClinVar aggregate classification (germline): Uncertain significance. Review status: criteria provided, multiple submitters, no conflicts (2 of 4 stars). 2 submissions from 2 submitters: Uncertain significance (2). Last evaluated 2025-08-24.

Conditions:
Cystic fibrosis (CF). Also called: MUCOVISCIDOSIS. Identifiers: Orphanet 586, MedGen C0010674, MONDO:0009061, OMIM 219700. Disease mechanism: loss of function.

gnomAD v4.1: 3 of 1,613,920 alleles (0.00019%); highest among the groups gnomAD compares: Non-Finnish European, 0.00025%; no homozygotes.

Submissions (2):

Ambry Genetics
Classification: Uncertain significance for Cystic fibrosis. Last evaluated: 2025-08-24. Review status: criteria provided, single submitter. Criteria: Ambry Variant Classification Scheme 2023. Collection method: clinical testing. Allele origin: germline.
Comment: The p.S10T variant (also known as c.29G>C), located in coding exon 1 of the CFTR gene, results from a G to C substitution at nucleotide position 29. The serine at codon 10 is replaced by threonine, an amino acid with similar properties. This amino acid position is conserved. In addition, the in silico prediction for this alteration is inconclusive. Since supporting evidence is limited at this time, the clinical significance of this alteration remains unclear.

Labcorp Genetics (formerly Invitae), Labcorp
Classification: Uncertain significance for Cystic fibrosis. Last evaluated: 2022-03-04. Review status: criteria provided, single submitter. Criteria: Invitae Variant Classification Sherloc (09022015). Collection method: clinical testing. Allele origin: germline.
Comment: This sequence change replaces serine, which is neutral and polar, with threonine, which is neutral and polar, at codon 10 of the CFTR protein (p.Ser10Thr). This variant is not present in population databases (gnomAD no frequency). In summary, the available evidence is currently insufficient to determine the role of this variant in disease. Therefore, it has been classified as a Variant of Uncertain Significance. Algorithms developed to predict the effect of missense changes on protein structure and function (SIFT, PolyPhen-2, Align-GVGD) all suggest that this variant is likely to be tolerated. This variant has not been reported in the literature in individuals affected with CFTR-related conditions.